The following is an entry in ClinVar:

NM_004260.4(RECQL4):c.1620+14_1620+15delinsAA

Gene: RECQL4 (RecQ like helicase 4; minus strand). Cytogenetic location: 8q24.3.
Variant type: Indel.
Coding change: c.1620+14_1620+15delinsAA on transcript NM_004260.4 (MANE Select); bases 14 to 15 of the intron after coding-DNA position 1620, GC replaced by AA.
Molecular consequence: intron variant.
Genome position (GRCh38, 1-based): chr8:144,514,921-144,514,922, GC replaced by TT on the plus strand (GC replaced by AA on the coding strand, the reverse complement: RECQL4 is on the minus strand). VCF-style: chr8-144514921-GC-TT. GRCh37 (hg19) VCF-style: chr8-145740305-GC-TT.
Other names: c.483+14_483+15delinsAA (NM_001413032.1, NM_001413027.1, NM_001413031.1 and 2 more transcripts); c.549+14_549+15delinsAA (NM_001413035.1, NM_001413040.1, NM_001413021.1 and 7 more transcripts); c.1524+14_1524+15delinsAA (NM_001413017.1, NM_001413020.1); c.1590+14_1590+15delinsAA (NM_001413039.1); c.1620+14_1620+15delinsAA (NM_001413033.1, NM_001413018.1, NM_001413036.1 and 1 more transcripts); c.153+14_153+15delinsAA (NM_001413043.1); c.519+14_519+15delinsAA (NM_001413042.1); c.1491+14_1491+15delinsAA (NM_001413025.1); and 1 more.
Identifiers: ClinVar variation 3672052 (VCV003672052.2).

ClinVar aggregate classification (germline): Uncertain significance (1 of 4 stars; one submission).

Conditions:
Baller-Gerold syndrome (BGS). Also called: CRANIOSYNOSTOSIS WITH RADIAL DEFECTS. Identifiers: Orphanet 1225, MedGen C0265308, MONDO:0009039, OMIM 218600.

Submission:

Labcorp Genetics (formerly Invitae), Labcorp
Classification: Uncertain significance for Baller-Gerold syndrome. Last evaluated: 2024-02-22. Review status: criteria provided, single submitter. Criteria: Invitae Variant Classification Sherloc (09022015). Collection method: clinical testing. Allele origin: germline.
Comment: This sequence change falls in intron 9 of the RECQL4 gene. It does not directly change the encoded amino acid sequence of the RECQL4 protein. Information on the frequency of this variant in the gnomAD database is not available, as this variant may be reported differently in the database. This variant has not been reported in the literature in individuals affected with RECQL4-related conditions. Experimental studies and prediction algorithms are not available or were not evaluated, and the effect of this variant on mRNA splicing is currently unknown. In summary, the available evidence is currently insufficient to determine the role of this variant in disease. Therefore, it has been classified as a Variant of Uncertain Significance.